The following is an entry in ClinVar:

NM_005121.3(MED13):c.4348A>G (p.Lys1450Glu)

Gene: MED13 (mediator complex subunit 13; minus strand). Cytogenetic location: 17q23.2.
Variant type: single nucleotide variant.
Coding change: c.4348A>G on transcript NM_005121.3 (MANE Select); coding-DNA position 4348, A replaced by G.
Protein change: p.Lys1450Glu; replaces lysine 1450 with glutamic acid.
Molecular consequence: missense variant.
Genome position (GRCh38, 1-based): chr17:61,966,495, T>C on the plus strand (A>G on the coding strand, the complement: MED13 is on the minus strand). VCF-style: chr17-61966495-T-C. GRCh37 (hg19) VCF-style: chr17-60043856-T-C.
Other names: short protein forms K1450E.
Identifiers: ClinVar variation 1328872 (VCV001328872.2), dbSNP rs2143378378, ClinGen allele CA400497554.

ClinVar aggregate classification (germline): Uncertain significance (1 of 4 stars; one submission).

Submission:

GeneDx
Classification: Uncertain significance. Last evaluated: 2021-06-16. Review status: criteria provided, single submitter. Criteria: GeneDx Variant Classification Process June 2021. Collection method: clinical testing. Allele origin: germline. Affected: yes.
Comment: Not observed at significant frequency in large population cohorts (Lek et al., 2016); In silico analysis supports that this missense variant has a deleterious effect on protein structure/function; Has not been previously published as pathogenic or benign to our knowledge; This variant is associated with the following publications: (PMID: 27535533)